The following is an entry in ClinVar:

NM_003705.5(SLC25A12):c.41A>G (p.His14Arg)

Gene: SLC25A12 (solute carrier family 25 member 12; minus strand). Cytogenetic location: 2q31.1.
Variant type: single nucleotide variant.
Coding change: c.41A>G on transcript NM_003705.5 (MANE Select); coding-DNA position 41, A replaced by G.
Protein change: p.His14Arg; replaces histidine 14 with arginine.
Molecular consequence: missense variant. On other transcripts: non-coding transcript variant (1).
Genome position (GRCh38, 1-based): chr2:171,893,230, T>C on the plus strand (A>G on the coding strand, the complement: SLC25A12 is on the minus strand). VCF-style: chr2-171893230-T-C. GRCh37 (hg19) VCF-style: chr2-172749740-T-C.
Other names: short protein forms H14R.
Identifiers: ClinVar variation 1001368 (VCV001001368.6), dbSNP rs371796365, ClinGen allele CA1966507.

ClinVar aggregate classification (germline): Uncertain significance (1 of 4 stars; one submission).

Allele frequency attached by ClinVar (database versions not stated): gnomAD exomes below 0.00001; ExAC 0.00001; TOPMed 0.00002; gnomAD 0.00003; ESP Exome Variant Server 0.00008.
gnomAD v4.1: 7 of 1,614,012 alleles (0.00043%); highest among the groups gnomAD compares: African/African-American, 0.0067%; no homozygotes.

Submission:

Labcorp Genetics (formerly Invitae), Labcorp
Classification: Uncertain significance. Last evaluated: 2022-10-13. Review status: criteria provided, single submitter. Criteria: Invitae Variant Classification Sherloc (09022015). Collection method: clinical testing. Allele origin: germline.
Comment: This sequence change replaces histidine, which is basic and polar, with arginine, which is basic and polar, at codon 14 of the SLC25A12 protein (p.His14Arg). This variant is present in population databases (rs371796365, gnomAD 0.008%). This variant has not been reported in the literature in individuals affected with SLC25A12-related conditions. ClinVar contains an entry for this variant (Variation ID: 1001368). Algorithms developed to predict the effect of missense changes on protein structure and function (SIFT, PolyPhen-2, Align-GVGD) all suggest that this variant is likely to be tolerated. In summary, the available evidence is currently insufficient to determine the role of this variant in disease. Therefore, it has been classified as a Variant of Uncertain Significance.